The following is an entry in ClinVar:

NM_017934.7(PHIP):c.3724G>A (p.Gly1242Arg)

Genes: IRAK1BP1 (interleukin 1 receptor associated kinase 1 binding protein 1; plus strand), PHIP (PHIP subunit of CUL4-Ring ligase complex; minus strand). Cytogenetic location: 6q14.1.
Variant type: single nucleotide variant.
Coding change: c.3724G>A on transcript NM_017934.7 (MANE Select); coding-DNA position 3724, G replaced by A.
Protein change: p.Gly1242Arg; replaces glycine 1242 with arginine.
Molecular consequence: missense variant.
Genome position (GRCh38, 1-based): chr6:78,958,533, C>T on the plus strand (G>A on the coding strand, the complement: PHIP is on the minus strand). VCF-style: chr6-78958533-C-T. GRCh37 (hg19) VCF-style: chr6-79668250-C-T.
Other names: short protein forms G1242R.
Identifiers: ClinVar variation 4996309 (VCV004996309.1).

ClinVar aggregate classification (germline): Uncertain significance (1 of 4 stars; one submission).

Conditions:
PHIP-related disorder. Also called: PHIP-related condition; PHIP-related disorders.

Submission:

PreventionGenetics, part of Exact Sciences
Classification: Uncertain significance for PHIP-related condition. Last evaluated: 2026-07-31. Review status: criteria provided, single submitter. Criteria: ACMG Guidelines, 2015. Collection method: clinical testing. Allele origin: germline.
Comment: The PHIP c.3724G>A variant is predicted to result in the amino acid substitution p.Gly1242Arg. To our knowledge, this variant has not been reported in the literature or in a large population database (gnomAD), indicating this variant is rare. At this time, the clinical significance of this variant is uncertain due to the absence of conclusive functional and genetic evidence.